The following is an entry in ClinVar:

ClinVar aggregate classification (germline): Likely pathogenic. Review status: criteria provided, multiple submitters, no conflicts (2 of 4 stars). 3 submissions from 3 submitters: Likely pathogenic (3). Last evaluated 2026-06-11.

Conditions:
Developmental and epileptic encephalopathy 99. Identifiers: MedGen C5562018, MONDO:0030473, OMIM 619606.
Dystonia 12 (DYT12). Also called: Rapid-Onset Dystonia-Parkinsonism (RDP); DYT-ATP1A3. Identifiers: Orphanet 71517, MedGen C1868681, MONDO:0007496, OMIM 128235.
ATP1A3-related disorder. Also called: ATP1A3-related disorders; ATP1A3-related condition. Identifiers: MedGen CN381097.

Allele frequency attached by ClinVar (database versions not stated): gnomAD exomes below 0.00001.
gnomAD v4.1: 1 of 1,614,174 alleles (0.000062%); highest among the groups gnomAD compares: Non-Finnish European, 0.000085%; no homozygotes.

Submissions (3):

Institute of Human Genetics, University of Leipzig Medical Center
Classification: Likely pathogenic for Developmental and epileptic encephalopathy 99. Last evaluated: 2026-06-11. Review status: criteria provided, single submitter. Criteria: ACMG Guidelines, 2015. Collection method: clinical testing. Allele origin: unknown. Inheritance: Autosomal dominant inheritance. Affected: yes.
Comment: Criteria applied: PS4_SUP,PM5,PM2_SUP,PP2,PP3

Blueprint Genetics
Classification: Likely pathogenic for ATP1A3-related disorders. Last evaluated: 2024-09-10. Review status: criteria provided, single submitter. Criteria: ACMG Guidelines, 2015. Collection method: clinical testing. Allele origin: germline. Affected: yes. Observed: 1 variant allele.

Labcorp Genetics (formerly Invitae), Labcorp
Classification: Likely pathogenic for Dystonia 12. Last evaluated: 2022-11-29. Review status: criteria provided, single submitter. Criteria: Invitae Variant Classification Sherloc (09022015). Collection method: clinical testing. Allele origin: germline.
Comment: In summary, the currently available evidence indicates that the variant is pathogenic, but additional data are needed to prove that conclusively. Therefore, this variant has been classified as Likely Pathogenic. This variant disrupts the p.Arg597 amino acid residue in ATP1A3. Other variant(s) that disrupt this residue have been determined to be pathogenic (PMID: 28214263). This suggests that this residue is clinically significant, and that variants that disrupt this residue are likely to be disease-causing. Advanced modeling of protein sequence and biophysical properties (such as structural, functional, and spatial information, amino acid conservation, physicochemical variation, residue mobility, and thermodynamic stability) performed at Invitae indicates that this missense variant is expected to disrupt ATP1A3 protein function. ClinVar contains an entry for this variant (Variation ID: 657298). This variant has not been reported in the literature in individuals affected with ATP1A3-related conditions. This variant is not present in population databases (gnomAD no frequency). This sequence change replaces arginine, which is basic and polar, with histidine, which is basic and polar, at codon 597 of the ATP1A3 protein (p.Arg597His).

Literature cited by the submitters: PubMed 28214263 (cited by Labcorp Genetics (formerly Invitae), Labcorp).

NM_152296.5(ATP1A3):c.1790G>A (p.Arg597His)

Gene: ATP1A3 (ATPase Na+/K+ transporting subunit alpha 3; minus strand). Cytogenetic location: 19q13.2.
Variant type: single nucleotide variant.
Coding change: c.1790G>A on transcript NM_152296.5 (MANE Select); coding-DNA position 1790, G replaced by A.
Protein change: p.Arg597His; replaces arginine 597 with histidine.
Molecular consequence: missense variant.
Genome position (GRCh38, 1-based): chr19:41,978,167, C>T on the plus strand (G>A on the coding strand, the complement: ATP1A3 is on the minus strand). VCF-style: chr19-41978167-C-T. GRCh37 (hg19) VCF-style: chr19-42482319-C-T.
Other names: c.1823G>A, p.Arg608His (NM_001256213.2); c.1829G>A, p.Arg610His (NM_001256214.2); short protein forms R597H, R610H, R608H.
Identifiers: ClinVar variation 657298 (VCV000657298.10), dbSNP rs1599715341, ClinGen allele CA406045439.
Genomic context (GRCh38, chr19:41,978,167, plus strand): 5'-GCCCCACGCCTGGCTTTGCCTCCCCCAGCCACCCCAAGCCACACCTTGATGCCTGCGCTG[C>T]GACACTTGCCCACCGCGTCAGGGACGGCTGCCCGGGGTGGGTCGATCATGGACATGAGGC-3'
Protein context (NP_689509.1, residues 587-607): AAVPDAVGKC[Arg597His]SAGIKVIMVT